The following is an entry in ClinVar:

ClinVar aggregate classification (germline): Uncertain significance (1 of 4 stars; one submission).

Conditions:
Amyotrophic lateral sclerosis type 1 (ALS1). Also called: AMYOTROPHIC LATERAL SCLEROSIS 1, FAMILIAL. Identifiers: Orphanet 803, MedGen C1862939, MONDO:0007103, OMIM 105400.

Allele frequency attached by ClinVar (database versions not stated): gnomAD exomes below 0.00001; TOPMed below 0.00001; gnomAD 0.00001; ExAC 0.00002.
gnomAD v4.1: 2 of 1,608,422 alleles (0.00012%); highest among the groups gnomAD compares: East Asian, 0.0045%; no homozygotes.

Submission:

Labcorp Genetics (formerly Invitae), Labcorp
Classification: Uncertain significance for Amyotrophic lateral sclerosis type 1. Last evaluated: 2024-10-24. Review status: criteria provided, single submitter. Criteria: Invitae Variant Classification Sherloc (09022015). Collection method: clinical testing. Allele origin: germline.
Comment: This sequence change falls in intron 3 of the SOD1 gene. It does not directly change the encoded amino acid sequence of the SOD1 protein. It affects a nucleotide within the consensus splice site. This variant is present in population databases (rs770227978, gnomAD 0.02%). This variant has been observed in individual(s) with amyotrophic lateral sclerosis (PMID: 32729724). ClinVar contains an entry for this variant (Variation ID: 1966744). Variants that disrupt the consensus splice site are a relatively common cause of aberrant splicing (PMID: 17576681, 9536098). Algorithms developed to predict the effect of sequence changes on RNA splicing suggest that this variant is not likely to affect RNA splicing. In summary, the available evidence is currently insufficient to determine the role of this variant in disease. Therefore, it has been classified as a Variant of Uncertain Significance.

Literature cited by the submitters: PubMed 32729724; PubMed 17576681; PubMed 9536098.

NM_000454.5(SOD1):c.240-3T>C

Gene: SOD1 (superoxide dismutase 1; plus strand). Cytogenetic location: 21q22.11.
Variant type: single nucleotide variant.
Coding change: c.240-3T>C on transcript NM_000454.5 (MANE Select); 3 bases into the intron before coding-DNA position 240, T replaced by C.
Molecular consequence: intron variant.
Genome position (GRCh38, 1-based): chr21:31,667,255, T>C. VCF-style: chr21-31667255-T-C. GRCh37 (hg19) VCF-style: chr21-33039568-T-C.
Identifiers: ClinVar variation 1966744 (VCV001966744.5), dbSNP rs770227978, ClinGen allele CA9998943.